The following is an entry in ClinVar:

NM_001369369.1(FOXN1):c.302GCTTTG[3] (p.Phe104_Glu105insGlyPhe)

Gene: FOXN1 (forkhead box N1; plus strand). Cytogenetic location: 17q11.2.
Variant type: Microsatellite.
Coding change: c.302GCTTTG[3] on transcript NM_001369369.1 (MANE Select); three copies in a row of the 6-base unit GCTTTG starting at c.302; the reference has two copies in a row; one copy, 6 bases duplicated.
Protein change: p.Phe104_Glu105insGlyPhe.
Molecular consequence: inframe insertion.
Genome position (GRCh38, 1-based): chr17:28,524,687-28,524,692, GCTTTG duplicated; duplicating any 6 consecutive bases within chr17:28,524,679-28,524,692 gives the same sequence; the position shown is the placement nearest the transcript's 3' end. VCF-style (leftmost placement, unchanged base first): chr17-28524678-C-CTGGCTT. GRCh37 (hg19) VCF-style: chr17-26851696-C-CTGGCTT.
Other names: c.302GCTTTG[3], p.Phe104_Glu105insGlyPhe (NM_003593.3).
Identifiers: ClinVar variation 2047271 (VCV002047271.4), dbSNP rs2508355948, ClinGen allele CA2580614032.
Genomic context (GRCh38, chr17:28,524,678, plus strand): 5'-GCCACTGCCCAGCCGGCCCCGGCCCTGGGCCCTTCAGGCTCTCACCCTCAGACAAGTATC[C>CTGGCTT]TGGCTTTGGCTTTGAGGAGGCCGCAGCAAGCAGCCCTGGGCGATTCCTCAAGGGCAGCCA-3'

ClinVar aggregate classification (germline): Uncertain significance (1 of 4 stars; one submission).

Conditions:
T-cell immunodeficiency, congenital alopecia, and nail dystrophy. Also called: Congenital alopecia and nail dystrophy associated with severe functional T-cell immunodeficiency; Pignata Guarino syndrome. Identifiers: Orphanet 169095, MedGen C1866426, MONDO:0011132, OMIM 601705.

Submission:

Labcorp Genetics (formerly Invitae), Labcorp
Classification: Uncertain significance for T-cell immunodeficiency, congenital alopecia, and nail dystrophy. Last evaluated: 2022-03-04. Review status: criteria provided, single submitter. Criteria: Invitae Variant Classification Sherloc (09022015). Collection method: clinical testing. Allele origin: germline.
Comment: This variant, c.308_313dup, results in the insertion of 2 amino acid(s) of the FOXN1 protein (p.Gly103_Phe104dup), but otherwise preserves the integrity of the reading frame. This variant is not present in population databases (gnomAD no frequency). This variant has not been reported in the literature in individuals affected with FOXN1-related conditions. In summary, the available evidence is currently insufficient to determine the role of this variant in disease. Therefore, it has been classified as a Variant of Uncertain Significance.